The following is an entry in ClinVar:

ClinVar aggregate classification (germline): Conflicting classifications of pathogenicity. Review status: criteria provided, conflicting classifications (1 of 4 stars). 2 submissions from 2 submitters: Uncertain significance (1); Likely benign (1). Last evaluated 2026-06-01.

Conditions:
Intellectual disability, CASK-related, X-linked. Identifiers: MedGen CN043158.

Submissions (2):

Greenwood Genetic Center Diagnostic Laboratories, Greenwood Genetic Center
Classification: Uncertain significance. Last evaluated: 2026-06-01. Review status: criteria provided, single submitter. Criteria: ACMG Guidelines, 2015. Collection method: clinical testing. Allele origin: germline.
Comment: PM2, BP4

Labcorp Genetics (formerly Invitae), Labcorp
Classification: Likely benign for Intellectual disability, CASK-related, X-linked. Last evaluated: 2023-04-19. Review status: criteria provided, single submitter. Criteria: Invitae Variant Classification Sherloc (09022015). Collection method: clinical testing. Allele origin: germline.

NM_001367721.1(CASK):c.533-15T>C

Gene: CASK (calcium/calmodulin dependent serine protein kinase; minus strand). Cytogenetic location: Xp11.4.
Variant type: single nucleotide variant.
Coding change: c.533-15T>C on transcript NM_001367721.1 (MANE Select); 15 bases into the intron before coding-DNA position 533, T replaced by C.
Molecular consequence: intron variant.
Genome position (GRCh38, 1-based): chrX:41,665,467, A>G on the plus strand (T>C on the coding strand, the complement: CASK is on the minus strand). VCF-style: chrX-41665467-A-G. GRCh37 (hg19) VCF-style: chrX-41524720-A-G.
Other names: c.533-15T>C (NM_003688.3, NM_001126055.3, NM_001410745.1 and 2 more transcripts).
Identifiers: ClinVar variation 2786025 (VCV002786025.4), dbSNP rs2519216513, ClinGen allele CA2579589350.